The following is an entry in ClinVar:

NM_001354604.2(MITF):c.1244C>T (p.Pro415Leu)

Gene: MITF (melanocyte inducing transcription factor; plus strand). Cytogenetic location: 3p13.
Variant type: single nucleotide variant.
Coding change: c.1244C>T on transcript NM_001354604.2 (MANE Select); coding-DNA position 1244, C replaced by T.
Protein change: p.Pro415Leu; replaces proline 415 with leucine.
Molecular consequence: missense variant.
Genome position (GRCh38, 1-based): chr3:69,964,911, C>T. VCF-style: chr3-69964911-C-T. GRCh37 (hg19) VCF-style: chr3-70014062-C-T.
Other names: c.923C>T, p.Pro308Leu (NM_000248.4); c.1070C>T, p.Pro357Leu (NM_001184967.2, NM_001354608.2); c.1241C>T, p.Pro414Leu (NM_001354605.2); c.1223C>T, p.Pro408Leu (NM_001354606.2, NM_006722.3); c.1175C>T, p.Pro392Leu (NM_001354607.2); c.905C>T, p.Pro302Leu (NM_198158.3); c.1226C>T, p.Pro409Leu (NM_198159.3); c.1178C>T, p.Pro393Leu (NM_198177.3); and 1 more; short protein forms P246L, P302L, P308L, P357L, P392L, P393L, P408L, P409L.
Identifiers: ClinVar variation 1326018 (VCV001326018.3), dbSNP rs2107551959, ClinGen allele CA353559437.
Genomic context (GRCh38, chr3:69,964,911, plus strand): 5'-TTGAAATGCAGGCTCGAGCTCATGGACTTTCCCTTATTCCATCCACGGGTCTCTGCTCTC[C>T]AGATTTGGTGAATCGGATCATCAAGCAAGAACCCGTTCTTGAGAACTGCAGCCAAGACCT-3'
Protein context (NP_001341533.1, residues 405-425): SLIPSTGLCS[Pro415Leu]DLVNRIIKQE

ClinVar aggregate classification (germline): Uncertain significance. Review status: criteria provided, multiple submitters, no conflicts (2 of 4 stars). 2 submissions from 2 submitters: Uncertain significance (2). Last evaluated 2025-03-15.

Conditions:
Hereditary cancer-predisposing syndrome. Also called: Hereditary Cancer Syndrome; Tumor predisposition; Neoplastic Syndromes, Hereditary; Hereditary neoplastic syndrome. Identifiers: Orphanet 140162, MedGen C0027672, MeSH D009386, MONDO:0015356.

Allele frequency attached by ClinVar (database versions not stated): gnomAD exomes below 0.00001.
gnomAD v4.1: 1 of 1,614,136 alleles (0.000062%); highest among the groups gnomAD compares: African/African-American, 0.0013%; no homozygotes.

Submissions (2):

Ambry Genetics
Classification: Uncertain significance for Hereditary cancer-predisposing syndrome. Last evaluated: 2025-03-15. Review status: criteria provided, single submitter. Criteria: Ambry Variant Classification Scheme 2023. Collection method: clinical testing. Allele origin: germline.
Comment: The p.P308L variant (also known as c.923C>T), located in coding exon 9 of the MITF gene, results from a C to T substitution at nucleotide position 923. The proline at codon 308 is replaced by leucine, an amino acid with similar properties. This amino acid position is conserved. In addition, this alteration is predicted to be tolerated by in silico analysis. Based on the available evidence, the clinical significance of this variant remains unclear.

GeneDx
Classification: Uncertain significance. Last evaluated: 2021-05-17. Review status: criteria provided, single submitter. Criteria: GeneDx Variant Classification Process June 2021. Collection method: clinical testing. Allele origin: germline. Affected: yes.
Comment: Not observed in large population cohorts (Lek et al., 2016); In silico analysis supports that this missense variant does not alter protein structure/function; Has not been previously published as pathogenic or benign to our knowledge